The following is an entry in ClinVar:

NM_173628.4(DNAH17):c.12792C>T (p.Thr4264=)

Gene: DNAH17 (dynein axonemal heavy chain 17; minus strand). Cytogenetic location: 17q25.3.
Variant type: single nucleotide variant.
Coding change: c.12792C>T on transcript NM_173628.4 (MANE Select); coding-DNA position 12792, C replaced by T.
Protein change: p.Thr4264=; no amino-acid change (threonine 4264 retained).
Molecular consequence: synonymous variant.
Genome position (GRCh38, 1-based): chr17:78,426,580, G>A on the plus strand (C>T on the coding strand, the complement: DNAH17 is on the minus strand). VCF-style: chr17-78426580-G-A. GRCh37 (hg19) VCF-style: chr17-76422661-G-A.
Identifiers: ClinVar variation 2648345 (VCV002648345.24), dbSNP rs138326047, ClinGen allele CA8799824.

ClinVar aggregate classification (germline): Likely benign (1 of 4 stars; one submission).

Allele frequency attached by ClinVar (database versions not stated): TOPMed 0.00003; gnomAD 0.00004; ExAC 0.00008; ESP Exome Variant Server 0.00008.
gnomAD v4.1: 63 of 1,610,196 alleles (0.0039%); highest among the groups gnomAD compares: Middle Eastern, 0.016%; no homozygotes.

Submission:

CeGaT Center for Human Genetics Tuebingen
Classification: Likely benign. Last evaluated: 2023-06-01. Review status: criteria provided, single submitter. Criteria: CeGaT Center For Human Genetics Tuebingen Variant Classification Criteria Version 2. Collection method: clinical testing. Allele origin: germline. Affected: yes. Observed: 2 variant alleles.
Comment: DNAH17: BP4, BP7